The following is an entry in ClinVar:

NM_032119.4(ADGRV1):c.11478del (p.Asp3827fs)

Gene: ADGRV1 (adhesion G protein-coupled receptor V1; plus strand). Cytogenetic location: 5q14.3.
Variant type: Deletion.
Coding change: c.11478del on transcript NM_032119.4 (MANE Select); coding-DNA position 11478, one base deleted (C; older notation c.11478delC).
Protein change: p.Asp3827fs; shifts the reading frame from aspartic acid 3827.
Molecular consequence: frameshift variant. On other transcripts: non-coding transcript variant (1).
Genome position (GRCh38, 1-based): chr5:90,755,083, C deleted. VCF-style (leftmost placement, unchanged base first): chr5-90755082-TC-T. GRCh37 (hg19) VCF-style: chr5-90050899-TC-T.
Other names: short protein forms D3827fs.
Identifiers: ClinVar variation 2120764 (VCV002120764.4), dbSNP rs2531632474, ClinGen allele CA2580073753.
Genomic context (GRCh38, chr5:90,755,082, plus strand): 5'-AAGGACTACTTGGGGATATTGCCATTCACTTGAGAGCTCAACCCAATTTCTTACTGCATG[TC>T]GATAATCAAGCTACTGAGAATGAAGATTATGTATTGCAAGAAACAATAATAATAATGAAA-3'

ClinVar aggregate classification (germline): Pathogenic (1 of 4 stars; one submission).

Allele frequency attached by ClinVar (database versions not stated): gnomAD exomes below 0.00001.

Submission:

Labcorp Genetics (formerly Invitae), Labcorp
Classification: Pathogenic. Last evaluated: 2022-01-07. Review status: criteria provided, single submitter. Criteria: Invitae Variant Classification Sherloc (09022015). Collection method: clinical testing. Allele origin: germline.
Comment: This sequence change creates a premature translational stop signal (p.Asp3827Ilefs*16) in the ADGRV1 gene. It is expected to result in an absent or disrupted protein product. Loss-of-function variants in ADGRV1 are known to be pathogenic (PMID: 19357117, 22135276, 22147658, 26226137, 26667666, 30029497, 32467589). This variant is not present in population databases (gnomAD no frequency). This variant has not been reported in the literature in individuals affected with ADGRV1-related conditions. For these reasons, this variant has been classified as Pathogenic.

Literature cited by the submitters: PubMed 19357117; PubMed 22135276; PubMed 22147658; PubMed 26226137; PubMed 26667666; PubMed 30029497; PubMed 32467589.